The following is an entry in ClinVar:

NM_001291303.3(FAT4):c.3726T>A (p.Asn1242Lys)

Gene: FAT4 (FAT atypical cadherin 4; plus strand). Cytogenetic location: 4q28.1.
Variant type: single nucleotide variant.
Coding change: c.3726T>A on transcript NM_001291303.3 (MANE Select); coding-DNA position 3726, T replaced by A.
Protein change: p.Asn1242Lys; replaces asparagine 1242 with lysine.
Molecular consequence: missense variant.
Genome position (GRCh38, 1-based): chr4:125,320,137, T>A. VCF-style: chr4-125320137-T-A. GRCh37 (hg19) VCF-style: chr4-126241292-T-A.
Other names: c.3726T>A, p.Asn1242Lys (NM_001291285.3, NM_024582.6); short protein forms N1242K.
Identifiers: ClinVar variation 1973363 (VCV001973363.5), dbSNP rs903106127, ClinGen allele CA104866476.
Genomic context (GRCh38, chr4:125,320,137, plus strand): 5'-AGCAGCCAATCTGACACAAGTGTTAAGAGTATCTGCCTCAGATGTTGATGAAGGTAATAA[T>A]GGACTTATTCACTATTCTATAATAAAAGGAAATGAAGAAAGACAGTTTGCTATAGACAGT-3'
Protein context (NP_001278232.1, residues 1232-1252): VSASDVDEGN[Asn1242Lys]GLIHYSIIKG

ClinVar aggregate classification (germline): Uncertain significance (1 of 4 stars; one submission).

Allele frequency attached by ClinVar (database versions not stated): TOPMed below 0.00001.

Submission:

Labcorp Genetics (formerly Invitae), Labcorp
Classification: Uncertain significance. Last evaluated: 2022-10-17. Review status: criteria provided, single submitter. Criteria: Invitae Variant Classification Sherloc (09022015). Collection method: clinical testing. Allele origin: germline.
Comment: This variant is not present in population databases (gnomAD no frequency). This sequence change replaces asparagine, which is neutral and polar, with lysine, which is basic and polar, at codon 1242 of the FAT4 protein (p.Asn1242Lys). This variant has not been reported in the literature in individuals affected with FAT4-related conditions. In summary, the available evidence is currently insufficient to determine the role of this variant in disease. Therefore, it has been classified as a Variant of Uncertain Significance. Algorithms developed to predict the effect of missense changes on protein structure and function (SIFT, PolyPhen-2, Align-GVGD) all suggest that this variant is likely to be disruptive.